The following continues an entry in ClinVar:

NM_004004.6(GJB2):c.299_300del (p.His100fs)

Gene: GJB2. ClinVar aggregate classification (germline): Pathogenic. Pathogenic (23).

Submissions 19 to 25 of 25:

Women's Health and Genetics/Laboratory Corporation of America, LabCorp
Classification: Pathogenic for Deafness, autosomal recessive 1A. Last evaluated: 2018-02-23. Review status: criteria provided, single submitter. Criteria: LabCorp Variant Classification Summary - May 2015. Collection method: clinical testing. Allele origin: germline.
Comment: Variant summary: GJB2 c.299_300delAT (p.His100ArgfsX14) results in a premature termination codon, predicted to cause a truncation of the encoded protein or absence of the protein due to nonsense mediated decay, which are commonly known mechanisms for disease. Truncations downstream of this position have been classified as pathogenic by our laboratory (eg. c.313_326delAAGTTCATCAAGGG, p.Lys105fsX5; c.334_335delAA, p.Lys112fsX2; c.370C>T, p.Gln124X). The variant allele was found at a frequency of 7.2e-05 in 277508 control chromosomes (gnomAD and literature). This frequency is not higher than expected for a pathogenic variant in GJB2 causing Non-Syndromic Hearing Loss (7.2e-05 vs 2.60e-02), allowing no conclusion about variant significance. The c.299_300delAT variant has been reported in the literature in numerous individuals affected with Non-Syndromic Hearing Loss (Dai_2009, Hismi_2006, Abe_2000), in both compound heterozygotes and homozygotes. These data indicate that the variant is very likely to be associated with disease. To our knowledge, no experimental evidence demonstrating an impact on protein function has been reported. One clinical diagnostic laboratory has submitted clinical-significance assessments for this variant to ClinVar after 2014 without evidence for independent evaluation and classified the variant as pathogenic. Based on the evidence outlined above, the variant was classified as pathogenic.

Eurofins Ntd Llc (ga)
Classification: Pathogenic. Last evaluated: 2014-09-18. Review status: criteria provided, single submitter. Criteria: EGL Classification Definitions 2015. Collection method: clinical testing. Allele origin: germline. Observed: 1 variant allele, 1 heterozygote.

Baylor Genetics
Classification: Pathogenic for Autosomal recessive nonsyndromic hearing loss 1A; Autosomal recessive nonsyndromic hearing loss 1B. Review status: criteria provided, single submitter. Criteria: ACMG Guidelines, 2015. Collection method: clinical testing. Allele origin: germline.

Clinical Genetics Service, Universitary Hospital 12 de Octubre
Classification: Pathogenic for Autosomal recessive nonsyndromic hearing loss 1A. Review status: criteria provided, single submitter. Criteria: ACMG Guidelines, 2015. Collection method: clinical testing. Allele origin: germline. Affected: yes.

Juno Genomics, Hangzhou Juno Genomics, Inc
Classification: Pathogenic for Autosomal recessive nonsyndromic hearing loss 1A. Review status: criteria provided, single submitter. Criteria: ACMG Guidelines, 2015. Collection method: clinical testing. Allele origin: germline. Affected: yes.
Comment: Allele frequency is greater than expected for disorder.;Null variant in a gene where loss of function (LOF) is a known mechanism of disease.;For recessive disorders, detected in trans with a pathogenic variant.

Gene Friend Way, National Innovation Center
Classification: Pathogenic for Autism spectrum disorder. Last evaluated: 2023-07-28. Review status: no assertion criteria provided. Collection method: clinical testing. Allele origin: unknown. Affected: yes. Observed: 1 variant allele. Not counted in ClinVar's aggregate classification.
Comment: Carriers of this GJB2 His100fs mutation in our study were diagnosed with ASD with little or no responses when called. Harmful mutation in the GJB2 genes were previously reported to associated with nonsyndromic hearing loss (Bartolotta et al., 2014, Wei et al., 2014).

Genetic Testing Center for Deafness, Department of Otolaryngology Head & Neck Surgery, Institute of Otolaryngology, Chinese PLA General Hospital
Classification: Pathogenic for Autosomal recessive nonsyndromic hearing loss 1A. Last evaluated: 2019-02-26. Review status: no assertion criteria provided. Collection method: case-control. Allele origin: inherited. Affected: yes. Observed: 1 variant allele. Not counted in ClinVar's aggregate classification.

Literature cited by the submitters: PubMed 19366456 (cited by 4 submitters); PubMed 10633133 (cited by 7 submitters); PubMed 26119842 (cited by Department of Otolaryngology Head and Neck Surgery, Hainan Hospital of the Chinese People’s Liberation Army General Hospital and Athena Diagnostics); PubMed 22991996 (cited by 5 submitters); PubMed 12111646 (cited by 6 submitters); PubMed 20083784 (cited by Labcorp Genetics (formerly Invitae), Labcorp and Dasa); PubMed 24341454 (cited by Labcorp Genetics (formerly Invitae), Labcorp and Dasa); PubMed 26043044 (cited by Labcorp Genetics (formerly Invitae), Labcorp and Dasa); PubMed 27610647 (cited by Labcorp Genetics (formerly Invitae), Labcorp and Dasa); PubMed 20095872 (cited by 6 submitters); PubMed 12172394 (cited by Labcorp Genetics (formerly Invitae), Labcorp); PubMed 14985372 (cited by Labcorp Genetics (formerly Invitae), Labcorp); PubMed 15070423 (cited by Labcorp Genetics (formerly Invitae), Labcorp); PubMed 15967879 (cited by Labcorp Genetics (formerly Invitae), Labcorp); PubMed 26432548 (cited by Variantyx, Inc.); PubMed 38844983 (cited by Variantyx, Inc.); PubMed 12792423 (cited by Victorian Clinical Genetics Services, Murdoch Childrens Research Institute); PubMed 28428247 (cited by Victorian Clinical Genetics Services, Murdoch Childrens Research Institute); PubMed 31160754 (cited by Victorian Clinical Genetics Services, Murdoch Childrens Research Institute); PubMed 16380907 (cited by Athena Diagnostics); PubMed 22695344 (cited by Athena Diagnostics); PubMed 11438992 (cited by Athena Diagnostics and Laboratory for Molecular Medicine, Mass General Brigham Personalized Medicine); PubMed 19043807 (cited by Athena Diagnostics); PubMed 25266519 (cited by Athena Diagnostics); PubMed 10983956 (cited by Athena Diagnostics and Laboratory for Molecular Medicine, Mass General Brigham Personalized Medicine); PubMed 11385713 (cited by Laboratory for Molecular Medicine, Mass General Brigham Personalized Medicine); PubMed 16712961 (cited by Women's Health and Genetics/Laboratory Corporation of America, LabCorp).